The following is an entry in ClinVar:

ClinVar aggregate classification (germline): Uncertain significance. Review status: criteria provided, multiple submitters, no conflicts (2 of 4 stars). 2 submissions from 2 submitters: Uncertain significance (2). Last evaluated 2024-04-01.

Allele frequency attached by ClinVar (database versions not stated): gnomAD exomes 0.00001; TOPMed 0.00001; ExAC 0.00003; gnomAD 0.00003.

Submissions (2):

Ambry Genetics
Classification: Uncertain significance. Last evaluated: 2024-04-01. Review status: criteria provided, single submitter. Criteria: Ambry Variant Classification Scheme 2023. Collection method: clinical testing. Allele origin: germline.

Labcorp Genetics (formerly Invitae), Labcorp
Classification: Uncertain significance. Last evaluated: 2024-02-16. Review status: criteria provided, single submitter. Criteria: Invitae Variant Classification Sherloc (09022015). Collection method: clinical testing. Allele origin: germline.
Comment: This sequence change replaces arginine, which is basic and polar, with glutamine, which is neutral and polar, at codon 354 of the ANKZF1 protein (p.Arg354Gln). This variant is present in population databases (rs752132261, gnomAD 0.01%). This variant has not been reported in the literature in individuals affected with ANKZF1-related conditions. ClinVar contains an entry for this variant (Variation ID: 1929783). Algorithms developed to predict the effect of missense changes on protein structure and function output the following: SIFT: "Not Available"; PolyPhen-2: "Benign"; Align-GVGD: "Not Available". The glutamine amino acid residue is found in multiple mammalian species, which suggests that this missense change does not adversely affect protein function. In summary, the available evidence is currently insufficient to determine the role of this variant in disease. Therefore, it has been classified as a Variant of Uncertain Significance.

NM_018089.3(ANKZF1):c.1061G>A (p.Arg354Gln)

Gene: ANKZF1 (ankyrin repeat and zinc finger peptidyl tRNA hydrolase 1; plus strand). Cytogenetic location: 2q35.
Variant type: single nucleotide variant.
Coding change: c.1061G>A on transcript NM_018089.3 (MANE Select); coding-DNA position 1061, G replaced by A.
Protein change: p.Arg354Gln; replaces arginine 354 with glutamine.
Molecular consequence: missense variant.
Genome position (GRCh38, 1-based): chr2:219,234,145, G>A. VCF-style: chr2-219234145-G-A. GRCh37 (hg19) VCF-style: chr2-220098867-G-A.
Other names: c.1061G>A (NM_018089.2); c.1061G>A, p.Arg354Gln (NM_001042410.2); c.431G>A, p.Arg144Gln (NM_001282792.2); short protein forms R144Q, R354Q.
Identifiers: ClinVar variation 1929783 (VCV001929783.6), dbSNP rs752132261, ClinGen allele CA2120958.
Genomic context (GRCh38, chr2:219,234,145, plus strand): 5'-TAGCTTCTCCTCAGCTAAGGTTGAGAAAGATCTTTTCTTTTATGGCAGAAGAAGACCCTC[G>A]GGAAGCAGTCAGACTGCACTCACCTCAGACACACTGGAAAACAGTAAGAGAGGAGAGAAA-3'
Protein context (NP_060559.2, residues 344-364): TTLHVYEEDP[Arg354Gln]EAVRLHSPQT